The following is an entry in ClinVar:

ClinVar aggregate classification (germline): Pathogenic (1 of 4 stars; one submission).

Conditions:
Familial hypobetalipoproteinemia 1. Also called: APOB-Related Familial Hypobetalipoproteinemia; Hypobetalipoproteinemia, normotriglyceridemic; Acanthocytosis with hypobetalipoproteinemia. Identifiers: MedGen C4551990, MONDO:0014252, OMIM 615558.
Hypercholesterolemia, autosomal dominant, type B (FHCL2). Also called: Familial Hypercholesterolemia Type B; APOLIPOPROTEIN B-100, FAMILIAL DEFECTIVE; APOLIPOPROTEIN B-100, FAMILIAL LIGAND-DEFECTIVE; HYPERCHOLESTEROLEMIA, FAMILIAL, DUE TO LIGAND-DEFECTIVE APOLIPOPROTEIN B; Familial hypercholesterolemia 2; Hyperlipoproteinemia Type IIb. Identifiers: MedGen C1704417, MONDO:0007751, OMIM 144010.

Submission:

Labcorp Genetics (formerly Invitae), Labcorp
Classification: Pathogenic for Familial hypobetalipoproteinemia 1; Hypercholesterolemia, autosomal dominant, type B. Last evaluated: 2021-07-26. Review status: criteria provided, single submitter. Criteria: Invitae Variant Classification Sherloc (09022015). Collection method: clinical testing. Allele origin: germline.
Comment: For these reasons, this variant has been classified as Pathogenic. This variant has not been reported in the literature in individuals affected with APOB-related conditions. This variant is not present in population databases (ExAC no frequency). This sequence change creates a premature translational stop signal (p.Tyr666*) in the APOB gene. It is expected to result in an absent or disrupted protein product. Loss-of-function variants in APOB are known to be pathogenic (PMID: 20032471).

Literature cited by the submitters: PubMed 20032471.

NM_000384.3(APOB):c.1998C>A (p.Tyr666Ter)

Gene: APOB (apolipoprotein B; minus strand). Cytogenetic location: 2p24.1.
Variant type: single nucleotide variant.
Coding change: c.1998C>A on transcript NM_000384.3 (MANE Select); coding-DNA position 1998, C replaced by A.
Protein change: p.Tyr666Ter; replaces tyrosine 666 with a stop codon.
Molecular consequence: nonsense.
Genome position (GRCh38, 1-based): chr2:21,027,897, G>T on the plus strand (C>A on the coding strand, the complement: APOB is on the minus strand). VCF-style: chr2-21027897-G-T. GRCh37 (hg19) VCF-style: chr2-21250769-G-T.
Other names: short protein forms Y666*.
Identifiers: ClinVar variation 1416940 (VCV001416940.6), dbSNP rs1572795820, ClinGen allele CA346013582.